The following is an entry in ClinVar:

ClinVar aggregate classification (germline): Uncertain significance. Review status: criteria provided, multiple submitters, no conflicts (2 of 4 stars). 2 submissions from 2 submitters: Uncertain significance (2). Last evaluated 2025-10-20.

Conditions:
Hereditary nonpolyposis colorectal neoplasms. Identifiers: MedGen C0009405, MeSH D003123.
Hereditary cancer-predisposing syndrome. Also called: Tumor predisposition; Hereditary neoplastic syndrome; Neoplastic Syndromes, Hereditary; Hereditary Cancer Syndrome. Identifiers: Orphanet 140162, MedGen C0027672, MeSH D009386, MONDO:0015356.

Submissions (2):

Labcorp Genetics (formerly Invitae), Labcorp
Classification: Uncertain significance for Hereditary nonpolyposis colorectal neoplasms. Last evaluated: 2025-10-20. Review status: criteria provided, single submitter. Criteria: Invitae Variant Classification Sherloc (09022015). Collection method: clinical testing. Allele origin: germline.
Comment: This sequence change replaces phenylalanine, which is neutral and non-polar, with tyrosine, which is neutral and polar, at codon 1174 of the MSH6 protein (p.Phe1174Tyr). This variant is not present in population databases (gnomAD no frequency). This variant has not been reported in the literature in individuals affected with MSH6-related conditions. ClinVar contains an entry for this variant (Variation ID: 861324). Invitae Evidence Modeling of protein sequence and biophysical properties (such as structural, functional, and spatial information, amino acid conservation, physicochemical variation, residue mobility, and thermodynamic stability) has been performed for this missense variant. However, the output from this modeling did not meet the statistical confidence thresholds required to predict the impact of this variant on MSH6 protein function. In summary, the available evidence is currently insufficient to determine the role of this variant in disease. Therefore, it has been classified as a Variant of Uncertain Significance.

Ambry Genetics
Classification: Uncertain significance for Hereditary cancer-predisposing syndrome. Last evaluated: 2020-02-13. Review status: criteria provided, single submitter. Criteria: Ambry Variant Classification Scheme 2023. Collection method: clinical testing. Allele origin: germline.
Comment: The p.F1174Y variant (also known as c.3521T>A), located in coding exon 6 of the MSH6 gene, results from a T to A substitution at nucleotide position 3521. The phenylalanine at codon 1174 is replaced by tyrosine, an amino acid with highly similar properties. This amino acid position is highly conserved in available vertebrate species. In addition, this alteration is predicted to be deleterious by in silico analysis. Since supporting evidence is limited at this time, the clinical significance of this alteration remains unclear.

NM_000179.3(MSH6):c.3521T>A (p.Phe1174Tyr)

Gene: MSH6 (mutS homolog 6; plus strand). Cytogenetic location: 2p16.3.
Variant type: single nucleotide variant.
Coding change: c.3521T>A on transcript NM_000179.3 (MANE Select); coding-DNA position 3521, T replaced by A.
Protein change: p.Phe1174Tyr; replaces phenylalanine 1174 with tyrosine.
Molecular consequence: missense variant.
Genome position (GRCh38, 1-based): chr2:47,804,992, T>A. VCF-style: chr2-47804992-T-A. GRCh37 (hg19) VCF-style: chr2-48032131-T-A.
Other names: c.3131T>A, p.Phe1044Tyr (NM_001281492.2); c.2615T>A, p.Phe872Tyr (NM_001281493.2, NM_001281494.2); short protein forms F1174Y, F872Y, F1044Y.
Identifiers: ClinVar variation 861324 (VCV000861324.12), dbSNP rs1669876634, ClinGen allele CA346760214.
Genomic context (GRCh38, chr2:47,804,992, plus strand): 5'-CCCAGATGGGTTGTTACGTCCCTGCTGAAGTGTGCAGGCTCACACCAATTGATAGAGTGT[T>A]TACTAGACTTGGTGCCTCAGACAGAATAATGTCAGGTGAGTTTTTTGTTTCCCACTTAAG-3'
Protein context (NP_000170.1, residues 1164-1184): VCRLTPIDRV[Phe1174Tyr]TRLGASDRIM